The following is an entry in ClinVar:

NM_015215.4(CAMTA1):c.1978G>A (p.Gly660Ser)

Gene: CAMTA1 (calmodulin binding transcription activator 1; plus strand). Cytogenetic location: 1p36.23.
Variant type: single nucleotide variant.
Coding change: c.1978G>A on transcript NM_015215.4 (MANE Select); coding-DNA position 1978, G replaced by A.
Protein change: p.Gly660Ser; replaces glycine 660 with serine.
Molecular consequence: missense variant.
Genome position (GRCh38, 1-based): chr1:7,664,525, G>A. VCF-style: chr1-7664525-G-A. GRCh37 (hg19) VCF-style: chr1-7724585-G-A.
Other names: c.1888G>A, p.Gly630Ser (NM_001349608.2, NM_001349612.2); c.1978G>A, p.Gly660Ser (NM_001349609.2, NM_001349610.2, NM_001410737.1); c.1906G>A, p.Gly636Ser (NM_001410738.1); short protein forms G636S, G630S, G660S.
Identifiers: ClinVar variation 2894516 (VCV002894516.3), dbSNP rs371971274, ClinGen allele CA566542.

ClinVar aggregate classification (germline): Uncertain significance (1 of 4 stars; one submission).

Allele frequency attached by ClinVar (database versions not stated): gnomAD exomes 0.00001; gnomAD 0.00003; ExAC 0.00004; TOPMed 0.00004; ESP Exome Variant Server 0.00008.
gnomAD v4.1: 24 of 1,613,138 alleles (0.0015%); highest among the groups gnomAD compares: African/African-American, 0.0053%; no homozygotes.

Submission:

Labcorp Genetics (formerly Invitae), Labcorp
Classification: Uncertain significance. Last evaluated: 2023-06-22. Review status: criteria provided, single submitter. Criteria: Invitae Variant Classification Sherloc (09022015). Collection method: clinical testing. Allele origin: germline.
Comment: This variant has not been reported in the literature in individuals affected with CAMTA1-related conditions. This sequence change replaces glycine, which is neutral and non-polar, with serine, which is neutral and polar, at codon 660 of the CAMTA1 protein (p.Gly660Ser). This variant is present in population databases (rs371971274, gnomAD 0.008%). An algorithm developed to predict the effect of missense changes on protein structure and function (PolyPhen-2) suggests that this variant is likely to be disruptive. In summary, the available evidence is currently insufficient to determine the role of this variant in disease. Therefore, it has been classified as a Variant of Uncertain Significance.